The following is an entry in ClinVar:

ClinVar aggregate classification (germline): Uncertain significance. Review status: criteria provided, multiple submitters, no conflicts (2 of 4 stars). 2 submissions from 2 submitters: Uncertain significance (2). Last evaluated 2022-11-23.

Conditions:
Ullrich congenital muscular dystrophy 2 (UCMD2). Identifiers: Orphanet 75840, MedGen C4225314, MONDO:0014654, OMIM 616470.
Bethlem myopathy 2 (BTHLM2). Identifiers: Orphanet 536516, Orphanet 610, MedGen C4225313, MONDO:0034022, OMIM 616471.

Allele frequency attached by ClinVar (database versions not stated): gnomAD exomes below 0.00001; TOPMed below 0.00001; gnomAD 0.00001.
gnomAD v4.1: 4 of 1,613,948 alleles (0.00025%); highest among the groups gnomAD compares: Admixed American, 0.0017%; no homozygotes.

Submissions (2):

Revvity Omics, Revvity
Classification: Uncertain significance. Last evaluated: 2022-11-23. Review status: criteria provided, single submitter. Criteria: ACMG Guidelines, 2015. Collection method: clinical testing. Allele origin: germline.

Labcorp Genetics (formerly Invitae), Labcorp
Classification: Uncertain significance for Bethlem myopathy 2; Ullrich congenital muscular dystrophy 2. Last evaluated: 2022-06-08. Review status: criteria provided, single submitter. Criteria: Invitae Variant Classification Sherloc (09022015). Collection method: clinical testing. Allele origin: germline.
Comment: This sequence change replaces threonine, which is neutral and polar, with isoleucine, which is neutral and non-polar, at codon 1857 of the COL12A1 protein (p.Thr1857Ile). This variant is not present in population databases (gnomAD no frequency). This variant has not been reported in the literature in individuals affected with COL12A1-related conditions. Algorithms developed to predict the effect of missense changes on protein structure and function are either unavailable or do not agree on the potential impact of this missense change (SIFT: "Deleterious"; PolyPhen-2: "Probably Damaging"; Align-GVGD: "Class C0"). In summary, the available evidence is currently insufficient to determine the role of this variant in disease. Therefore, it has been classified as a Variant of Uncertain Significance.

NM_004370.6(COL12A1):c.5570C>T (p.Thr1857Ile)

Gene: COL12A1 (collagen type XII alpha 1 chain; minus strand). Cytogenetic location: 6q13.
Variant type: single nucleotide variant.
Coding change: c.5570C>T on transcript NM_004370.6 (MANE Select); coding-DNA position 5570, C replaced by T.
Protein change: p.Thr1857Ile; replaces threonine 1857 with isoleucine.
Molecular consequence: missense variant.
Genome position (GRCh38, 1-based): chr6:75,133,952, G>A on the plus strand (C>T on the coding strand, the complement: COL12A1 is on the minus strand). VCF-style: chr6-75133952-G-A. GRCh37 (hg19) VCF-style: chr6-75843668-G-A.
Other names: c.2078C>T, p.Thr693Ile (NM_080645.3); short protein forms T693I, T1857I.
Identifiers: ClinVar variation 1348664 (VCV001348664.10), dbSNP rs1239883407, ClinGen allele CA364735271.